The following is an entry in ClinVar:

NM_000237.3(LPL):c.1273G>A (p.Gly425Ser)

Gene: LPL (lipoprotein lipase; plus strand). Cytogenetic location: 8p21.3.
Variant type: single nucleotide variant.
Coding change: c.1273G>A on transcript NM_000237.3 (MANE Select); coding-DNA position 1273, G replaced by A.
Protein change: p.Gly425Ser; replaces glycine 425 with serine.
Molecular consequence: missense variant.
Genome position (GRCh38, 1-based): chr8:19,961,034, G>A. VCF-style: chr8-19961034-G-A. GRCh37 (hg19) VCF-style: chr8-19818545-G-A.
Other names: short protein forms G425S.
Identifiers: ClinVar variation 1766069 (VCV001766069.25), dbSNP rs546244838, ClinGen allele CA4655686.

ClinVar aggregate classification (germline): Uncertain significance. Review status: criteria provided, multiple submitters, no conflicts (2 of 4 stars). 2 submissions from 2 submitters: Uncertain significance (2). Last evaluated 2024-09-04.

Conditions:
Cardiovascular phenotype. Identifiers: MedGen CN230736.

Allele frequency attached by ClinVar (database versions not stated): ExAC 0.00002; TOPMed 0.00006; gnomAD 0.00007; 1000 Genomes Project 30x 0.00016; 1000 Genomes Project 0.00020.
gnomAD v4.1: 37 of 1,614,092 alleles (0.0023%); highest among the groups gnomAD compares: Middle Eastern, 0.016%; no homozygotes.

Submissions (2):

Ambry Genetics
Classification: Uncertain significance for Cardiovascular phenotype. Last evaluated: 2024-09-04. Review status: criteria provided, single submitter. Criteria: Ambry Variant Classification Scheme 2023. Collection method: clinical testing. Allele origin: germline.
Comment: The p.G425S variant (also known as c.1273G>A), located in coding exon 8 of the LPL gene, results from a G to A substitution at nucleotide position 1273. The glycine at codon 425 is replaced by serine, an amino acid with similar properties. This amino acid position is conserved. In addition, this alteration is predicted to be tolerated by in silico analysis. Since supporting evidence is limited at this time, the clinical significance of this alteration remains unclear.

CeGaT Center for Human Genetics Tuebingen
Classification: Uncertain significance. Last evaluated: 2024-02-01. Review status: criteria provided, single submitter. Criteria: CeGaT Center For Human Genetics Tuebingen Variant Classification Criteria Version 2. Collection method: clinical testing. Allele origin: germline. Affected: yes. Observed: 1 variant allele.
Comment: LPL: PM2, BP4